The following is an entry in ClinVar:

ClinVar aggregate classification (germline): Pathogenic (1 of 4 stars; one submission).

Conditions:
Joubert syndrome. Also called: CEREBELLOPARENCHYMAL DISORDER IV; JOUBERT-BOLTSHAUSER SYNDROME; Familial aplasia of the vermis. Identifiers: Orphanet 475, MedGen C5979921, MONDO:0018772.

Submission:

Labcorp Genetics (formerly Invitae), Labcorp
Classification: Pathogenic for Joubert syndrome. Last evaluated: 2022-08-27. Review status: criteria provided, single submitter. Criteria: Invitae Variant Classification Sherloc (09022015). Collection method: clinical testing. Allele origin: germline.
Comment: For these reasons, this variant has been classified as Pathogenic. This variant has not been reported in the literature in individuals affected with AHI1-related conditions. This variant is not present in population databases (gnomAD no frequency). This sequence change creates a premature translational stop signal (p.Lys307Glufs*3) in the AHI1 gene. It is expected to result in an absent or disrupted protein product. Loss-of-function variants in AHI1 are known to be pathogenic (PMID: 15322546, 16453322, 28442542, 29186038).

Literature cited by the submitters: PubMed 15322546; PubMed 16453322; PubMed 28442542; PubMed 29186038.

NM_001134831.2(AHI1):c.917dup (p.Lys307fs)

Gene: AHI1 (Abelson helper integration site 1; minus strand). Cytogenetic location: 6q23.3.
Variant type: Duplication.
Coding change: c.917dup on transcript NM_001134831.2 (MANE Select); coding-DNA position 917, one base duplicated (A; older notation c.917dupA).
Protein change: p.Lys307fs; shifts the reading frame from lysine 307.
Molecular consequence: frameshift variant.
Genome position (GRCh38, 1-based): chr6:135,463,139, T duplicated on the plus strand (A on the coding strand, the reverse complement: AHI1 is on the minus strand); the first of 6 consecutive T bases (chr6:135,463,139-135,463,144); duplicating any one gives the same sequence. VCF-style (leftmost placement, unchanged base first): chr6-135463138-C-CT. GRCh37 (hg19) VCF-style: chr6-135784276-C-CT.
Other names: c.917dup, p.Lys307fs (NM_001134830.2, NM_001134832.2, NM_001350503.2 and 2 more transcripts); short protein forms K307fs.
Identifiers: ClinVar variation 1901705 (VCV001901705.5), dbSNP rs1181159671, ClinGen allele CA645548195.